The following is an entry in ClinVar:

ClinVar aggregate classification (germline): Uncertain significance (1 of 4 stars; one submission).

Allele frequency attached by ClinVar (database versions not stated): TOPMed below 0.00001.

Submission:

Labcorp Genetics (formerly Invitae), Labcorp
Classification: Uncertain significance. Last evaluated: 2023-12-11. Review status: criteria provided, single submitter. Criteria: Invitae Variant Classification Sherloc (09022015). Collection method: clinical testing. Allele origin: germline.
Comment: This sequence change replaces valine, which is neutral and non-polar, with glutamic acid, which is acidic and polar, at codon 391 of the RP1 protein (p.Val391Glu). This variant is not present in population databases (gnomAD no frequency). This variant has not been reported in the literature in individuals affected with RP1-related conditions. ClinVar contains an entry for this variant (Variation ID: 2133595). An algorithm developed to predict the effect of missense changes on protein structure and function (PolyPhen-2) suggests that this variant is likely to be tolerated. In summary, the available evidence is currently insufficient to determine the role of this variant in disease. Therefore, it has been classified as a Variant of Uncertain Significance.

NM_006269.2(RP1):c.1172T>A (p.Val391Glu)

Gene: RP1 (RP1 axonemal microtubule associated; plus strand). Cytogenetic location: 8q12.1.
Variant type: single nucleotide variant.
Coding change: c.1172T>A on transcript NM_006269.2 (MANE Select); coding-DNA position 1172, T replaced by A.
Protein change: p.Val391Glu; replaces valine 391 with glutamic acid.
Molecular consequence: missense variant. On other transcripts: intron variant (1).
Genome position (GRCh38, 1-based): chr8:54,625,054, T>A. VCF-style: chr8-54625054-T-A. GRCh37 (hg19) VCF-style: chr8-55537614-T-A.
Other names: c.787+2766T>A (NM_001375654.1); short protein forms V391E.
Identifiers: ClinVar variation 2133595 (VCV002133595.4), dbSNP rs935265115, ClinGen allele CA177236644.